The following is an entry in ClinVar:

ClinVar aggregate classification (germline): Pathogenic. Review status: reviewed by expert panel (3 of 4 stars). 2 submissions from 2 submitters: Pathogenic (1). 1 of the submissions does not count toward it. Last evaluated 2026-10-23.

Conditions:
GFAP-related disorder. Also called: GFAP-related condition; GFAP-related disorders.
Alexander disease (ALXDRD). Also called: Alexander's disease. Identifiers: Orphanet 58, MedGen C0270726, MONDO:0008752, OMIM 203450.

Submissions (2):

ClinGen Leukodystrophy and Leukoencephalopathy Variant Curation Expert Panel, ClinGen
Classification: Pathogenic for Alexander disease. Last evaluated: 2026-10-23. Review status: reviewed by expert panel. Criteria: ClinGen Leuko ACMG Specifications GFAP V1.0. Collection method: curation. Allele origin: germline.
Comment: The NM_002055.5(GFAP):c.1138C>T variant in GFAP is a missense variant predicted to cause substitution of Proline by Serine at amino acid 380 (p.Pro380Ser). This variant has been identified as a de novo occurrence with confirmed parental relationships in one individual with a "definite" diagnosis of Alexander Disease per ClinGen Leukodystrophy and Leukoencephalopathy Expert Panel Specifications to the ACMG/AMP Variant Interpretation Guidelines for GFAP Version 1.0.0 (PS2) who displayed CSF GFAP levels (research-based) that were significantly elevated when compared to age-matched controls, which is highly specific for Alexander Disease (PP4_Strong, PMID: 41513585). This variant is absent from gnomAD v4.1.1 (PM2_Supporting). In summary, this variant meets the criteria to be classified as Pathogenic for Autosomal Dominant Alexander disease based on the ACMG/AMP criteria applied, as specified by the ClinGen Leukodystrophy and Leukoencephalopathy Expert Panel Specifications to the ACMG/AMP Variant Interpretation Guidelines for GFAP Version 1.0.0: PS2, PP4_Strong, PM2_Supporting.

PreventionGenetics, part of Exact Sciences
Classification: Likely pathogenic for GFAP-related condition. Last evaluated: 2025-05-28. Review status: criteria provided, single submitter. Criteria: ACMG Guidelines, 2015. Collection method: clinical testing. Allele origin: germline. Not counted in ClinVar's aggregate classification.
Comment: The GFAP c.1138C>T variant is predicted to result in the amino acid substitution p.Pro380Ser. To our knowledge, this variant has not been reported in the literature or in a large population database (gnomAD), indicating this variant is rare. Given the evidence, this variant is interpreted as likely pathogenic.

NM_002055.5(GFAP):c.1138C>T (p.Pro380Ser)

Gene: GFAP (glial fibrillary acidic protein; minus strand). Cytogenetic location: 17q21.31.
Variant type: single nucleotide variant.
Coding change: c.1138C>T on transcript NM_002055.5 (MANE Select); coding-DNA position 1138, C replaced by T.
Protein change: p.Pro380Ser; replaces proline 380 with serine.
Molecular consequence: missense variant.
Genome position (GRCh38, 1-based): chr17:44,910,648, G>A on the plus strand (C>T on the coding strand, the complement: GFAP is on the minus strand). VCF-style: chr17-44910648-G-A. GRCh37 (hg19) VCF-style: chr17-42988016-G-A.
Other names: NM_002055.5(GFAP):c.1138C>T; p.Pro380Ser; c.1138C>T, p.Pro380Ser (NM_001131019.3, NM_001242376.3, NM_001363846.2); short protein forms P380S.
Identifiers: ClinVar variation 3344171 (VCV003344171.3).
Genomic context (GRCh38, chr17:44,910,648, plus strand): 5'-CTTCCCACGAGGCCCTGCTGTACTGACCTCGAATCTGCAGGTTGGAGAAGGTCTGCACGG[G>A]AATGGTGATCCTGAAAGAAAGCAGAGGGAGAGGGCTGCCCGGGCTGCCTGGGACACCCCT-3'
Protein context (NP_002046.1, residues 370-390): LEGEENRITI[Pro380Ser]VQTFSNLQIR